The following is an entry in ClinVar:

ClinVar aggregate classification (germline): Uncertain significance. Review status: criteria provided, multiple submitters, no conflicts (2 of 4 stars). 2 submissions from 2 submitters: Uncertain significance (2). Last evaluated 2025-08-11.

Conditions:
Cardiovascular phenotype. Identifiers: MedGen CN230736.
Brugada syndrome 8 (BRGDA8). Identifiers: Orphanet 130, MedGen C2751083, MONDO:0013148, OMIM 613123.

Allele frequency attached by ClinVar (database versions not stated): gnomAD exomes below 0.00001; TOPMed below 0.00001; gnomAD 0.00001.
gnomAD v4.1: 3 of 1,614,014 alleles (0.00019%); highest among the groups gnomAD compares: Non-Finnish European, 0.00025%; no homozygotes.

Submissions (2):

Labcorp Genetics (formerly Invitae), Labcorp
Classification: Uncertain significance for Brugada syndrome 8. Last evaluated: 2025-08-11. Review status: criteria provided, single submitter. Criteria: Invitae Variant Classification Sherloc (09022015). Collection method: clinical testing. Allele origin: germline.
Comment: This sequence change replaces proline, which is neutral and non-polar, with threonine, which is neutral and polar, at codon 330 of the HCN4 protein (p.Pro330Thr). This variant is not present in population databases (gnomAD no frequency). This variant has not been reported in the literature in individuals affected with HCN4-related conditions. ClinVar contains an entry for this variant (Variation ID: 1374620). Invitae Evidence Modeling of protein sequence and biophysical properties (such as structural, functional, and spatial information, amino acid conservation, physicochemical variation, residue mobility, and thermodynamic stability) indicates that this missense variant is expected to disrupt HCN4 protein function with a positive predictive value of 95%. In summary, the available evidence is currently insufficient to determine the role of this variant in disease. Therefore, it has been classified as a Variant of Uncertain Significance.

Ambry Genetics
Classification: Uncertain significance for Cardiovascular phenotype. Last evaluated: 2025-06-20. Review status: criteria provided, single submitter. Criteria: Ambry Variant Classification Scheme 2023. Collection method: clinical testing. Allele origin: germline.
Comment: The p.P330T variant (also known as c.988C>A), located in coding exon 2 of the HCN4 gene, results from a C to A substitution at nucleotide position 988. The proline at codon 330 is replaced by threonine, an amino acid with highly similar properties. This amino acid position is highly conserved in available vertebrate species. In addition, this alteration is predicted to be deleterious by in silico analysis. Since supporting evidence is limited at this time, the clinical significance of this alteration remains unclear.

NM_005477.3(HCN4):c.988C>A (p.Pro330Thr)

Genes: HCN4 (hyperpolarization activated cyclic nucleotide gated potassium channel 4; minus strand), LOC105370890 (uncharacterized LOC105370890; plus strand), LOC126862173 (CDK7 strongly-dependent group 2 enhancer GRCh37_chr15:73635762-73636961; plus strand). Cytogenetic location: 15q24.1.
Variant type: single nucleotide variant.
Coding change: c.988C>A on transcript NM_005477.3 (MANE Select); coding-DNA position 988, C replaced by A.
Protein change: p.Pro330Thr; replaces proline 330 with threonine.
Molecular consequence: missense variant.
Genome position (GRCh38, 1-based): chr15:73,343,606, G>T on the plus strand (C>A on the coding strand, the complement: HCN4 is on the minus strand). VCF-style: chr15-73343606-G-T. GRCh37 (hg19) VCF-style: chr15-73635947-G-T.
Other names: short protein forms P330T.
Identifiers: ClinVar variation 1374620 (VCV001374620.10), dbSNP rs1555477316, ClinGen allele CA393095099.
Genomic context (GRCh38, chr15:73,343,606, plus strand): 5'-TGGAGGAAATGAAATCTACCATGAACCAGCTTTTCAGGTACTTCATTTTAATCCGCTGCG[G>T]GTCCAGGATGATCTCTGTGTTGTCCTCCACCACGATCCCTGTGCGGAAGTTGAGGACCAA-3'
Protein context (NP_005468.1, residues 320-340): VEDNTEIILD[Pro330Thr]QRIKMKYLKS